The following is an entry in ClinVar:

NM_004370.6(COL12A1):c.3942C>G (p.Asp1314Glu)

Gene: COL12A1 (collagen type XII alpha 1 chain; minus strand). Cytogenetic location: 6q13.
Variant type: single nucleotide variant.
Coding change: c.3942C>G on transcript NM_004370.6 (MANE Select); coding-DNA position 3942, C replaced by G.
Protein change: p.Asp1314Glu; replaces aspartic acid 1314 with glutamic acid.
Molecular consequence: missense variant.
Genome position (GRCh38, 1-based): chr6:75,151,925, G>C on the plus strand (C>G on the coding strand, the complement: COL12A1 is on the minus strand). VCF-style: chr6-75151925-G-C. GRCh37 (hg19) VCF-style: chr6-75861641-G-C.
Other names: c.450C>G, p.Asp150Glu (NM_080645.3); short protein forms D1314E, D150E.
Identifiers: ClinVar variation 1487793 (VCV001487793.11), dbSNP rs570245614, ClinGen allele CA3893586.

ClinVar aggregate classification (germline): Uncertain significance. Review status: criteria provided, multiple submitters, no conflicts (2 of 4 stars). 4 submissions from 4 submitters: Uncertain significance (3). 1 of the submissions does not count toward it. Last evaluated 2024-11-03.

Conditions:
Ullrich congenital muscular dystrophy 2 (UCMD2). Identifiers: Orphanet 75840, MedGen C4225314, MONDO:0014654, OMIM 616470.
Bethlem myopathy 2 (BTHLM2). Identifiers: Orphanet 536516, Orphanet 610, MedGen C4225313, MONDO:0034022, OMIM 616471.

gnomAD v4.1: 11 of 1,613,720 alleles (0.00068%); highest among the groups gnomAD compares: Admixed American, 0.0017%; no homozygotes.

Submissions (4):

Labcorp Genetics (formerly Invitae), Labcorp
Classification: Uncertain significance for Bethlem myopathy 2; Ullrich congenital muscular dystrophy 2. Last evaluated: 2024-11-03. Review status: criteria provided, single submitter. Criteria: Invitae Variant Classification Sherloc (09022015). Collection method: clinical testing. Allele origin: germline.
Comment: This sequence change replaces aspartic acid, which is acidic and polar, with glutamic acid, which is acidic and polar, at codon 1314 of the COL12A1 protein (p.Asp1314Glu). This variant is present in population databases (rs570245614, gnomAD 0.002%). This variant has not been reported in the literature in individuals affected with COL12A1-related conditions. ClinVar contains an entry for this variant (Variation ID: 1487793). Invitae Evidence Modeling of protein sequence and biophysical properties (such as structural, functional, and spatial information, amino acid conservation, physicochemical variation, residue mobility, and thermodynamic stability) indicates that this missense variant is not expected to disrupt COL12A1 protein function with a negative predictive value of 80%. In summary, the available evidence is currently insufficient to determine the role of this variant in disease. Therefore, it has been classified as a Variant of Uncertain Significance.

Department of Pathology and Laboratory Medicine, Sinai Health System
Classification: Uncertain significance for Bethlem myopathy 2. Last evaluated: 2021-07-30. Review status: criteria provided, single submitter. Criteria: ACMG Guidelines, 2015. Collection method: research. Allele origin: germline.

Blueprint Genetics
Classification: Uncertain significance. Last evaluated: 2020-12-20. Review status: criteria provided, single submitter. Criteria: ACMG Guidelines, 2015. Collection method: clinical testing. Allele origin: germline.

Solve-RD Consortium
Classification: Likely pathogenic for Bethlem myopathy 2. Last evaluated: 2022-06-01. Review status: no assertion criteria provided. Collection method: provider interpretation. Allele origin: inherited. Affected: yes. Not counted in ClinVar's aggregate classification.
Comment: Variant confirmed as disease-causing by referring clinical team

Variant identified during reanalysis of unsolved cases by the Solve-RD project. The Solve-RD project has received funding from the European Union’s Horizon 2020 research and innovation programme under grant agreement No 779257.

Literature cited by the submitters: PubMed 39825153 (cited by Solve-RD Consortium).